The following is an entry in ClinVar:

ClinVar aggregate classification (germline): Benign/Likely benign. Review status: criteria provided, multiple submitters, no conflicts (2 of 4 stars). 2 submissions from 2 submitters: Benign (1); Likely benign (1). Last evaluated 2026-01-13.

Conditions:
RPS27-related disorder. Also called: RPS27-related condition.

gnomAD v4.1: 1,512 of 1,614,218 alleles (0.094%); highest among the groups gnomAD compares: East Asian, 0.57%; 3 homozygotes.

Submissions (2):

PreventionGenetics, part of Exact Sciences
Classification: Benign for RPS27-related condition. Last evaluated: 2026-01-13. Review status: criteria provided, single submitter. Criteria: ACMG Guidelines, 2015. Collection method: clinical testing. Allele origin: germline.
Comment: This variant is classified as benign based on ACMG/AMP sequence variant interpretation guidelines (Richards et al. 2015 PMID: 25741868, with internal and published modifications).

Blueprint Genetics
Classification: Likely benign. Last evaluated: 2024-11-21. Review status: criteria provided, single submitter. Criteria: ACMG Guidelines, 2015. Collection method: clinical testing. Allele origin: germline.

NM_001030.6(RPS27):c.-7C>T

Genes: RPS27 (ribosomal protein S27; plus strand), LOC126805872 (BRD4-independent group 4 enhancer GRCh37_chr1:153962963-153964162; plus strand). Cytogenetic location: 1q21.3.
Variant type: single nucleotide variant.
Coding change: c.-7C>T on transcript NM_001030.6 (MANE Select); 7 bases upstream of the start codon, C replaced by T.
Molecular consequence: 5 prime UTR variant.
Genome position (GRCh38, 1-based): chr1:153,990,790, C>T. VCF-style: chr1-153990790-C-T. GRCh37 (hg19) VCF-style: chr1-153963266-C-T.
Other names: c.-224C>T (NM_001349946.2); c.-335C>T (NM_001349947.2); c.-7C>T (NM_001030.4).
Identifiers: ClinVar variation 4912615 (VCV004912615.2).